The following is an entry in ClinVar:

NM_000321.3(RB1):c.2332A>G (p.Thr778Ala)

Gene: RB1 (RB transcriptional corepressor 1; plus strand). Cytogenetic location: 13q14.2.
Variant type: single nucleotide variant.
Coding change: c.2332A>G on transcript NM_000321.3 (MANE Select); coding-DNA position 2332, A replaced by G.
Protein change: p.Thr778Ala; replaces threonine 778 with alanine.
Molecular consequence: missense variant.
Genome position (GRCh38, 1-based): chr13:48,465,211, A>G. VCF-style: chr13-48465211-A-G. GRCh37 (hg19) VCF-style: chr13-49039347-A-G.
Other names: short protein forms T778A.
Identifiers: ClinVar variation 237669 (VCV000237669.18), dbSNP rs878853950, ClinGen allele CA10583161.

ClinVar aggregate classification (germline): Conflicting classifications of pathogenicity. Review status: criteria provided, conflicting classifications (1 of 4 stars). 4 submissions from 4 submitters: Uncertain significance (3); Likely benign (1). Last evaluated 2025-11-19.

Conditions:
Malignant tumor of urinary bladder. Also called: Bladder cancer; Urinary Bladder Neoplasms; Urinary bladder cancer. Identifiers: MedGen C0005684, MONDO:0001187, OMIM 109800.
Hereditary cancer-predisposing syndrome. Also called: Tumor predisposition; Hereditary neoplastic syndrome; Hereditary Cancer Syndrome; Neoplastic Syndromes, Hereditary. Identifiers: Orphanet 140162, MedGen C0027672, MeSH D009386, MONDO:0015356.
Retinoblastoma (RB1). Also called: RETINOBLASTOMA, SOMATIC. Identifiers: Orphanet 790, MedGen C0035335, MeSH D012175, MONDO:0008380, OMIM 180200, HP:0009919. Disease mechanism: loss of function. Inheritance: Both sporadic and heritable forms are tested..

Allele frequency attached by ClinVar (database versions not stated): TOPMed 0.00001; gnomAD 0.00001; gnomAD exomes 0.00001.
gnomAD v4.1: 9 of 1,613,878 alleles (0.00056%); highest among the groups gnomAD compares: Non-Finnish European, 0.00059%; no homozygotes.

Submissions (4):

Dasa
Classification: Uncertain significance. Last evaluated: 2025-11-19. Review status: criteria provided, single submitter. Criteria: DASA Assertion Criteria. Collection method: clinical testing. Allele origin: germline.
Comment: NM_000321.3(RB1):c.2332A>G (p.Thr778Ala) is a missense variant that results in the substitution of threonine with alanine. This variant is rare in population databases. The currently available literature and clinical evidence are not sufficient to establish a definitive association between this variant and the reported condition. Therefore, this variant is classified as a variant of uncertain significance.

Labcorp Genetics (formerly Invitae), Labcorp
Classification: Likely benign for Retinoblastoma. Last evaluated: 2025-07-14. Review status: criteria provided, single submitter. Criteria: Invitae Variant Classification Sherloc (09022015). Collection method: clinical testing. Allele origin: germline.

Ambry Genetics
Classification: Uncertain significance for Hereditary cancer-predisposing syndrome. Last evaluated: 2024-06-24. Review status: criteria provided, single submitter. Criteria: Ambry Variant Classification Scheme 2023. Collection method: clinical testing. Allele origin: germline.
Comment: The p.T778A variant (also known as c.2332A>G), located in coding exon 23 of the RB1 gene, results from an A to G substitution at nucleotide position 2332. The threonine at codon 778 is replaced by alanine, an amino acid with similar properties. This amino acid position is conserved. In addition, this alteration is predicted to be tolerated by in silico analysis. Since supporting evidence is limited at this time, the clinical significance of this alteration remains unclear.

Baylor Genetics
Classification: Uncertain significance for Malignant tumor of urinary bladder. Last evaluated: 2023-07-20. Review status: criteria provided, single submitter. Criteria: ACMG Guidelines, 2015. Collection method: clinical testing. Allele origin: unknown.